The following is an entry in ClinVar:

NM_001382430.1(AKT1):c.1123G>A (p.Glu375Lys)

Gene: AKT1 (AKT serine/threonine kinase 1; minus strand). Cytogenetic location: 14q32.33.
Variant type: single nucleotide variant.
Coding change: c.1123G>A on transcript NM_001382430.1 (MANE Select); coding-DNA position 1123, G replaced by A.
Protein change: p.Glu375Lys; replaces glutamic acid 375 with lysine.
Molecular consequence: missense variant.
Genome position (GRCh38, 1-based): chr14:104,772,927, C>T on the plus strand (G>A on the coding strand, the complement: AKT1 is on the minus strand). VCF-style: chr14-104772927-C-T. GRCh37 (hg19) VCF-style: chr14-105239264-C-T.
Other names: c.1123G>A, p.Glu375Lys (NM_001382431.1, NM_001382432.1, NM_001382433.1 and 3 more transcripts); short protein forms E375K.
Identifiers: ClinVar variation 2905063 (VCV002905063.3), dbSNP rs373253729, ClinGen allele CA7374563.

ClinVar aggregate classification (germline): Uncertain significance (1 of 4 stars; one submission).

Conditions:
Cowden syndrome 6 (CWS6). Identifiers: Orphanet 201, MedGen C3554519, MONDO:0014048, OMIM 615109.

Allele frequency attached by ClinVar (database versions not stated): ExAC 0.00001; gnomAD exomes 0.00001; gnomAD 0.00002; TOPMed 0.00002; ESP Exome Variant Server 0.00008.
gnomAD v4.1: 10 of 1,613,422 alleles (0.00062%); highest among the groups gnomAD compares: Admixed American, 0.0033%; no homozygotes.

Submission:

Labcorp Genetics (formerly Invitae), Labcorp
Classification: Uncertain significance for Cowden syndrome 6. Last evaluated: 2023-06-27. Review status: criteria provided, single submitter. Criteria: Invitae Variant Classification Sherloc (09022015). Collection method: clinical testing. Allele origin: germline.
Comment: This sequence change replaces glutamic acid, which is acidic and polar, with lysine, which is basic and polar, at codon 375 of the AKT1 protein (p.Glu375Lys). This variant is present in population databases (rs373253729, gnomAD 0.003%). This variant has not been reported in the literature in individuals affected with AKT1-related conditions. An algorithm developed to predict the effect of missense changes on protein structure and function (PolyPhen-2) suggests that this variant is likely to be tolerated. In summary, the available evidence is currently insufficient to determine the role of this variant in disease. Therefore, it has been classified as a Variant of Uncertain Significance.